The following is an entry in ClinVar:

ClinVar aggregate classification (germline): Uncertain significance (1 of 4 stars; one submission).

gnomAD v4.1: 1 of 1,610,494 alleles (0.000062%); highest among the groups gnomAD compares: Admixed American, 0.0017%; no homozygotes.

Submission:

Labcorp Genetics (formerly Invitae), Labcorp
Classification: Uncertain significance. Last evaluated: 2025-05-18. Review status: criteria provided, single submitter. Criteria: Invitae Variant Classification Sherloc (09022015). Collection method: clinical testing. Allele origin: germline.
Comment: This sequence change falls in intron 23 of the DIP2C gene. It does not directly change the encoded amino acid sequence of the DIP2C protein. It affects a nucleotide within the consensus splice site. This variant is present in population databases (no rsID available, gnomAD 0.003%). This variant has not been reported in the literature in individuals affected with DIP2C-related conditions. ClinVar contains an entry for this variant (Variation ID: 3609315). Variants that disrupt the consensus splice site are a relatively common cause of aberrant splicing (PMID: 17576681, 9536098). Algorithms developed to predict the effect of sequence changes on RNA splicing suggest that this variant is not likely to affect RNA splicing. In summary, the available evidence is currently insufficient to determine the role of this variant in disease. Therefore, it has been classified as a Variant of Uncertain Significance.

Literature cited by the submitters: PubMed 17576681; PubMed 9536098.

NM_014974.3(DIP2C):c.2904+5G>C

Gene: DIP2C (DIP2 acetate--CoA ligase C (putative); minus strand). Cytogenetic location: 10p15.3.
Variant type: single nucleotide variant.
Coding change: c.2904+5G>C on transcript NM_014974.3 (MANE Select); 5 bases into the intron after coding-DNA position 2904, G replaced by C.
Molecular consequence: intron variant.
Genome position (GRCh38, 1-based): chr10:357,823, C>G on the plus strand (G>C on the coding strand, the complement: DIP2C is on the minus strand). VCF-style: chr10-357823-C-G. GRCh37 (hg19) VCF-style: chr10-403763-C-G.
Identifiers: ClinVar variation 3609315 (VCV003609315.2).